The following is an entry in ClinVar:

ClinVar aggregate classification (germline): Likely pathogenic (1 of 4 stars; one submission).

Conditions:
Retinoblastoma (RB1). Also called: RETINOBLASTOMA, SOMATIC. Identifiers: Orphanet 790, MedGen C0035335, MeSH D012175, MONDO:0008380, OMIM 180200, HP:0009919. Disease mechanism: loss of function. Inheritance: Both sporadic and heritable forms are tested..

Submission:

Labcorp Genetics (formerly Invitae), Labcorp
Classification: Likely pathogenic for Retinoblastoma. Last evaluated: 2019-11-26. Review status: criteria provided, single submitter. Criteria: Invitae Variant Classification Sherloc (09022015). Collection method: clinical testing. Allele origin: germline.
Comment: This variant results in a copy number gain of the genomic region encompassing exons 18-23 of the RB1 gene. While the exact position of this variant cannot be determined from this data, sub-genic copy number gains are generally in tandem (PMID: 25640679) and may result in an absent or disrupted protein product. Loss-of-function variants in RB1 are known to be pathogenic (PMID: 17096365). In summary, the currently available evidence indicates that the variant is pathogenic, but additional data are needed to prove that conclusively. Therefore, this variant has been classified as Likely Pathogenic.

NC_000013.11:g.(?_48452979)_(48465378_?)dup

Gene: RB1 (RB transcriptional corepressor 1; plus strand). Cytogenetic location: 13q14.2.
Variant type: Duplication.
Identifiers: ClinVar variation 831337 (VCV000831337.1).